The following is an entry in ClinVar:

ClinVar aggregate classification (germline): Uncertain significance (1 of 4 stars; one submission).

Allele frequency attached by ClinVar (database versions not stated): TOPMed 0.00001; ESP Exome Variant Server 0.00016.

Submission:

Labcorp Genetics (formerly Invitae), Labcorp
Classification: Uncertain significance. Last evaluated: 2022-08-09. Review status: criteria provided, single submitter. Criteria: Invitae Variant Classification Sherloc (09022015). Collection method: clinical testing. Allele origin: germline.
Comment: This sequence change replaces aspartic acid, which is acidic and polar, with glutamic acid, which is acidic and polar, at codon 806 of the CDH23 protein (p.Asp806Glu). This variant is not present in population databases (gnomAD no frequency). This variant has not been reported in the literature in individuals affected with CDH23-related conditions. ClinVar contains an entry for this variant (Variation ID: 1423485). Algorithms developed to predict the effect of missense changes on protein structure and function are either unavailable or do not agree on the potential impact of this missense change (SIFT: "Deleterious"; PolyPhen-2: "Not Available"; Align-GVGD: "Class C35"). In summary, the available evidence is currently insufficient to determine the role of this variant in disease. Therefore, it has been classified as a Variant of Uncertain Significance.

NM_022124.6(CDH23):c.2418C>A (p.Asp806Glu)

Gene: CDH23 (cadherin related 23; plus strand). Cytogenetic location: 10q22.1.
Variant type: single nucleotide variant.
Coding change: c.2418C>A on transcript NM_022124.6 (MANE Select); coding-DNA position 2418, C replaced by A.
Protein change: p.Asp806Glu; replaces aspartic acid 806 with glutamic acid.
Molecular consequence: missense variant.
Genome position (GRCh38, 1-based): chr10:71,702,042, C>A. VCF-style: chr10-71702042-C-A. GRCh37 (hg19) VCF-style: chr10-73461799-C-A.
Other names: c.2418C>A, p.Asp806Glu (NM_001171930.2, NM_001171931.2); short protein forms D806E.
Identifiers: ClinVar variation 1423485 (VCV001423485.3), dbSNP rs374806474, ClinGen allele CA209451889.